The following is an entry in ClinVar:

NM_006393.3(NEBL):c.807C>G (p.Tyr269Ter)

Gene: NEBL (nebulette; minus strand). Cytogenetic location: 10p12.31.
Variant type: single nucleotide variant.
Coding change: c.807C>G on transcript NM_006393.3 (MANE Select); coding-DNA position 807, C replaced by G.
Protein change: p.Tyr269Ter; replaces tyrosine 269 with a stop codon.
Molecular consequence: nonsense. On other transcripts: intron variant (9).
Genome position (GRCh38, 1-based): chr10:20,858,336, G>C on the plus strand (C>G on the coding strand, the complement: NEBL is on the minus strand). VCF-style: chr10-20858336-G-C. GRCh37 (hg19) VCF-style: chr10-21147265-G-C.
Other names: c.250-45396C>G (NM_001377326.1, NM_001377327.1, NM_001377328.1); c.358-45396C>G (NM_213569.2, NM_001173484.2, NM_001377322.1); c.301-45396C>G (NM_001377324.1); c.292-45396C>G (NM_001377325.1); c.310-45396C>G (NM_001377323.1); short protein forms Y269*.
Identifiers: ClinVar variation 655422 (VCV000655422.9), dbSNP rs748781067, ClinGen allele CA5433086.

ClinVar aggregate classification (germline): Uncertain significance. Review status: criteria provided, multiple submitters, no conflicts (2 of 4 stars). 2 submissions from 2 submitters: Uncertain significance (2). Last evaluated 2025-02-13.

Conditions:
Primary dilated cardiomyopathy (DCM). Also called: Dilated Cardiomyopathy. Identifiers: Orphanet 217604, MedGen C0007193, MeSH D002311, MONDO:0005021, HP:0001644. Inheritance: Various modes of inheritance.

Allele frequency attached by ClinVar (database versions not stated): ExAC 0.00001; gnomAD exomes 0.00001; TOPMed 0.00001; gnomAD 0.00002.
gnomAD v4.1: 16 of 1,594,772 alleles (0.001%); highest among the groups gnomAD compares: Non-Finnish European, 0.0014%; no homozygotes.

Submissions (2):

Labcorp Genetics (formerly Invitae), Labcorp
Classification: Uncertain significance for Primary dilated cardiomyopathy. Last evaluated: 2025-02-13. Review status: criteria provided, single submitter. Criteria: Invitae Variant Classification Sherloc (09022015). Collection method: clinical testing. Allele origin: germline.
Comment: This sequence change creates a premature translational stop signal (p.Tyr269*) in the NEBL gene. It is expected to result in an absent or disrupted protein product. However, the current clinical and genetic evidence is not sufficient to establish whether loss-of-function variants in NEBL cause disease. This variant is present in population databases (rs748781067, gnomAD 0.002%). This variant has not been reported in the literature in individuals affected with NEBL-related conditions. ClinVar contains an entry for this variant (Variation ID: 655422). In summary, the available evidence is currently insufficient to determine the role of this variant in disease. Therefore, it has been classified as a Variant of Uncertain Significance.

Ambry Genetics
Classification: Uncertain significance. Last evaluated: 2021-11-04. Review status: criteria provided, single submitter. Criteria: Ambry Variant Classification Scheme 2023. Collection method: clinical testing. Allele origin: germline.
Comment: The c.807C>G (p.Y269*) alteration, located in exon 9 (coding exon 9) of the NEBL gene, consists of a C to G substitution at nucleotide position 807. This changes the amino acid from a tyrosine (Y) to a stop codon at amino acid position 269. Premature stop codons are typically deleterious in nature (Richards, 2015). Based on insufficient or conflicting evidence, the clinical significance of this alteration remains unclear.